The following is an entry in ClinVar:

ClinVar aggregate classification (germline): Benign/Likely benign. Review status: criteria provided, multiple submitters, no conflicts (2 of 4 stars). 8 submissions from 8 submitters: Benign (3); Likely benign (4). 1 of the submissions does not count toward it. Last evaluated 2026-02-04.

Conditions:
Usher syndrome type 1C. Also called: USHER SYNDROME, TYPE I, ACADIAN VARIETY. Identifiers: Orphanet 231169, Orphanet 886, MedGen C1848604, MONDO:0010171, OMIM 276904.

Allele frequency attached by ClinVar (database versions not stated): 1000 Genomes Project 0.00300; gnomAD exomes 0.00043 and 0.00135; gnomAD 0.00046 and 0.00062; TOPMed 0.00087; ExAC 0.00131; 1000 Genomes Project 30x 0.00250.
gnomAD v4.1: 819 of 1,614,020 alleles (0.051%); highest among the groups gnomAD compares: East Asian, 1.3%; 12 homozygotes.

Submissions (8):

Labcorp Genetics (formerly Invitae), Labcorp
Classification: Benign. Last evaluated: 2026-02-04. Review status: criteria provided, single submitter. Criteria: Invitae Variant Classification Sherloc (09022015). Collection method: clinical testing. Allele origin: germline.

CeGaT Center for Human Genetics Tuebingen
Classification: Likely benign. Last evaluated: 2025-02-01. Review status: criteria provided, single submitter. Criteria: CeGaT Center For Human Genetics Tuebingen Variant Classification Criteria Version 2. Collection method: clinical testing. Allele origin: germline. Affected: yes. Observed: 1 variant allele.
Comment: USH1C: BP4, BP7, BS1

Blueprint Genetics
Classification: Likely benign. Last evaluated: 2024-11-27. Review status: criteria provided, single submitter. Criteria: ACMG Guidelines, 2015. Collection method: clinical testing. Allele origin: germline.

GeneDx
Classification: Benign. Last evaluated: 2019-08-21. Review status: criteria provided, single submitter. Criteria: GeneDx Variant Classification Process June 2021. Collection method: clinical testing. Allele origin: germline. Affected: yes.

Illumina Laboratory Services, Illumina
Classification: Likely benign for Usher syndrome type 1C. Last evaluated: 2018-01-13. Review status: criteria provided, single submitter. Criteria: ICSL Variant Classification Criteria 13 December 2019. Collection method: clinical testing. Allele origin: germline.
Comment: This variant was observed in the ICSL laboratory as part of a predisposition screen in an ostensibly healthy population. It had not been previously curated by ICSL or reported in the Human Gene Mutation Database (HGMD: prior to June 1st, 2018), and was therefore a candidate for classification through an automated scoring system. Utilizing variant allele frequency, disease prevalence and penetrance estimates, and inheritance mode, an automated score was calculated to assess if this variant is too frequent to cause the disease. Based on the score and internal cut-off values, a variant classified as likely benign is not then subjected to further curation. The score for this variant resulted in a classification of likely benign for this disease.

Laboratory for Molecular Medicine, Mass General Brigham Personalized Medicine
Classification: Benign. Last evaluated: 2017-02-10. Review status: criteria provided, single submitter. Criteria: LMM Criteria. Collection method: clinical testing. Allele origin: germline. Observed: 6 variant alleles.
Comment: p.Leu216Leu in exon 8 of USH1C: This variant is not expected to have clinical si gnificance because it has been identified in 1.7% (147/8606) of East Asian chrom osomes by the Exome Aggregation Consortium (ExAC ; dbSNP rs77137413).

Eurofins Ntd Llc (ga)
Classification: Likely benign. Last evaluated: 2016-06-21. Review status: criteria provided, single submitter. Criteria: EGL Classification Definitions 2015. Collection method: clinical testing. Allele origin: germline. Observed: 2 variant alleles, 2 heterozygotes.

Natera, Inc.
Classification: Benign for Usher syndrome type 1C. Last evaluated: 2019-10-21. Review status: no assertion criteria provided. Collection method: clinical testing. Allele origin: germline. Not counted in ClinVar's aggregate classification.

NM_153676.4(USH1C):c.648G>A (p.Leu216=)

Gene: USH1C (USH1 protein network component harmonin; minus strand). Cytogenetic location: 11p15.1.
Variant type: single nucleotide variant.
Coding change: c.648G>A on transcript NM_153676.4 (MANE Select); coding-DNA position 648, G replaced by A.
Protein change: p.Leu216=; no amino-acid change (leucine 216 retained).
Molecular consequence: synonymous variant. On other transcripts: non-coding transcript variant (1).
Genome position (GRCh38, 1-based): chr11:17,526,373, C>T on the plus strand (G>A on the coding strand, the complement: USH1C is on the minus strand). VCF-style: chr11-17526373-C-T. GRCh37 (hg19) VCF-style: chr11-17547920-C-T.
Other names: c.648G>A, p.Leu216= (NM_001297764.2, NM_005709.4).
Identifiers: ClinVar variation 48023 (VCV000048023.34), dbSNP rs77137413, ClinGen allele CA142398.